The following is an entry in ClinVar:

NM_000501.4(ELN):c.571+7C>T

Gene: ELN (elastin; plus strand). Cytogenetic location: 7q11.23.
Variant type: single nucleotide variant.
Coding change: c.571+7C>T on transcript NM_000501.4 (MANE Select); 7 bases into the intron after coding-DNA position 571, C replaced by T.
Molecular consequence: intron variant.
Genome position (GRCh38, 1-based): chr7:74,046,224, C>T. VCF-style: chr7-74046224-C-T. GRCh37 (hg19) VCF-style: chr7-73460554-C-T.
Other names: c.586+7C>T (NM_001081754.3, NM_001081753.3); c.571+7C>T (NM_001278939.2, NM_001278915.2, NM_001278912.2 and 2 more transcripts); c.506-472C>T (NM_001278913.2); c.556+7C>T (NM_001278914.2); c.541+7C>T (NM_001278917.2, NM_001081752.3); c.440-472C>T (NM_001278918.2).
Identifiers: ClinVar variation 213190 (VCV000213190.6), dbSNP rs863223523, ClinGen allele CA320616.
Genomic context (GRCh38, chr7:74,046,224, plus strand): 5'-AGTGACAGCTTTTTATCATTACAGGTGTAGGTGGAGCTTTTGCTGGAATCCCAGGTGAGG[C>T]AAGGCTGGTGGGAGAAGCAGGGTGGCCAGCCAGGCAGAGGCTCTGGCGTTGGGAGGGGTT-3'

ClinVar aggregate classification (germline): Uncertain significance. Review status: criteria provided, multiple submitters, no conflicts (2 of 4 stars). 2 submissions from 2 submitters: Uncertain significance (2). Last evaluated 2025-11-18.

Conditions:
Supravalvar aortic stenosis (SVAS). Also called: Supravalvar aortic stenosis, Eisenberg type. Identifiers: Orphanet 3193, MedGen C0003499, MONDO:0008504, OMIM 185500, HP:0004381.

Submissions (2):

GeneDx
Classification: Uncertain significance. Last evaluated: 2025-11-18. Review status: criteria provided, single submitter. Criteria: GeneDx Variant Classification Process June 2021. Collection method: clinical testing. Allele origin: germline. Affected: yes.
Comment: Not observed at significant frequency in large population cohorts (gnomAD); In silico analysis supports a deleterious effect on splicing; Has not been previously published as pathogenic or benign to our knowledge

Labcorp Genetics (formerly Invitae), Labcorp
Classification: Uncertain significance for Supravalvar aortic stenosis. Last evaluated: 2025-08-03. Review status: criteria provided, single submitter. Criteria: Invitae Variant Classification Sherloc (09022015). Collection method: clinical testing. Allele origin: germline.
Comment: This sequence change falls in intron 11 of the ELN gene. It does not directly change the encoded amino acid sequence of the ELN protein. This variant is not present in population databases (gnomAD no frequency). This variant has not been reported in the literature in individuals affected with ELN-related conditions. ClinVar contains an entry for this variant (Variation ID: 213190). Algorithms developed to predict the effect of sequence changes on RNA splicing suggest that this variant may create or strengthen a splice site. In summary, the available evidence is currently insufficient to determine the role of this variant in disease. Therefore, it has been classified as a Variant of Uncertain Significance.